The following is an entry in ClinVar:

NM_001170629.2(CHD8):c.7699C>T (p.Pro2567Ser)

Gene: CHD8 (chromodomain helicase DNA binding protein 8; minus strand). Cytogenetic location: 14q11.2.
Variant type: single nucleotide variant.
Coding change: c.7699C>T on transcript NM_001170629.2 (MANE Select); coding-DNA position 7699, C replaced by T.
Protein change: p.Pro2567Ser; replaces proline 2567 with serine.
Molecular consequence: missense variant.
Genome position (GRCh38, 1-based): chr14:21,385,660, G>A on the plus strand (C>T on the coding strand, the complement: CHD8 is on the minus strand). VCF-style: chr14-21385660-G-A. GRCh37 (hg19) VCF-style: chr14-21853819-G-A.
Other names: c.6862C>T, p.Pro2288Ser (NM_020920.4); short protein forms P2288S, P2567S.
Identifiers: ClinVar variation 4796934 (VCV004796934.1).

ClinVar aggregate classification (germline): Uncertain significance (1 of 4 stars; one submission).

Submission:

Labcorp Genetics (formerly Invitae), Labcorp
Classification: Uncertain significance. Last evaluated: 2025-06-15. Review status: criteria provided, single submitter. Criteria: Invitae Variant Classification Sherloc (09022015). Collection method: clinical testing. Allele origin: germline.
Comment: This sequence change replaces proline, which is neutral and non-polar, with serine, which is neutral and polar, at codon 2567 of the CHD8 protein (p.Pro2567Ser). This variant is not present in population databases (gnomAD no frequency). This variant has not been reported in the literature in individuals affected with CHD8-related conditions. Invitae Evidence Modeling of protein sequence and biophysical properties (such as structural, functional, and spatial information, amino acid conservation, physicochemical variation, residue mobility, and thermodynamic stability) indicates that this missense variant is not expected to disrupt CHD8 protein function with a negative predictive value of 95%. In summary, the available evidence is currently insufficient to determine the role of this variant in disease. Therefore, it has been classified as a Variant of Uncertain Significance.